The following is an entry in ClinVar:

ClinVar aggregate classification (germline): Uncertain significance. Review status: criteria provided, multiple submitters, no conflicts (2 of 4 stars). 3 submissions from 3 submitters: Uncertain significance (3). Last evaluated 2026-01-08.

Conditions:
Cardiovascular phenotype. Identifiers: MedGen CN230736.
Dilated cardiomyopathy 1W (CMD1W). Identifiers: Orphanet 154, MedGen C1969639, MONDO:0012667, OMIM 611407.

Submissions (3):

Ambry Genetics
Classification: Uncertain significance for Cardiovascular phenotype. Last evaluated: 2026-01-08. Review status: criteria provided, single submitter. Criteria: Ambry Variant Classification Scheme 2023. Collection method: clinical testing. Allele origin: germline.
Comment: The p.L640F variant (also known as c.1918C>T), located in coding exon 14 of the VCL gene, results from a C to T substitution at nucleotide position 1918. The leucine at codon 640 is replaced by phenylalanine, an amino acid with highly similar properties. This amino acid position is highly conserved in available vertebrate species. In addition, the in silico prediction for this alteration is inconclusive. Based on the available evidence, the clinical significance of this variant remains unclear.

Labcorp Genetics (formerly Invitae), Labcorp
Classification: Uncertain significance for Dilated cardiomyopathy 1W. Last evaluated: 2024-06-04. Review status: criteria provided, single submitter. Criteria: Invitae Variant Classification Sherloc (09022015). Collection method: clinical testing. Allele origin: germline.
Comment: This sequence change replaces leucine, which is neutral and non-polar, with phenylalanine, which is neutral and non-polar, at codon 640 of the VCL protein (p.Leu640Phe). This variant is not present in population databases (gnomAD no frequency). This variant has not been reported in the literature in individuals affected with VCL-related conditions. ClinVar contains an entry for this variant (Variation ID: 300791). An algorithm developed to predict the effect of missense changes on protein structure and function (PolyPhen-2) suggests that this variant is likely to be disruptive. In summary, the available evidence is currently insufficient to determine the role of this variant in disease. Therefore, it has been classified as a Variant of Uncertain Significance.

Illumina Laboratory Services, Illumina
Classification: Uncertain significance for Dilated cardiomyopathy 1W. Last evaluated: 2018-01-13. Review status: criteria provided, single submitter. Criteria: ICSL Variant Classification Criteria 13 December 2019. Collection method: clinical testing. Allele origin: germline.

NM_014000.3(VCL):c.1918C>T (p.Leu640Phe)

Gene: VCL (vinculin; plus strand). Cytogenetic location: 10q22.2.
Variant type: single nucleotide variant.
Coding change: c.1918C>T on transcript NM_014000.3 (MANE Select); coding-DNA position 1918, C replaced by T.
Protein change: p.Leu640Phe; replaces leucine 640 with phenylalanine.
Molecular consequence: missense variant.
Genome position (GRCh38, 1-based): chr10:74,100,993, C>T. VCF-style: chr10-74100993-C-T. GRCh37 (hg19) VCF-style: chr10-75860751-C-T.
Other names: c.1918C>T, p.Leu640Phe (NM_003373.4); short protein forms L640F.
Identifiers: ClinVar variation 300791 (VCV000300791.10), dbSNP rs886047219, ClinGen allele CA10636324.
Genomic context (GRCh38, chr10:74,100,993, plus strand): 5'-TGTTTTTTCCTCAAGGTATTTGATGAGAGGGCAGCTAACTTTGAAAACCATTCAGGAAAG[C>T]TTGGTGCTACGGCCGAGAAGGCGGCTGCGGTTGGTACTGCTAATAAATCAACAGTGGAAG-3'
Protein context (NP_054706.1, residues 630-650): AANFENHSGK[Leu640Phe]GATAEKAAAV